The following is an entry in ClinVar:

ClinVar aggregate classification (germline): Benign/Likely benign. Review status: criteria provided, multiple submitters, no conflicts (2 of 4 stars). 6 submissions from 6 submitters: Benign (1); Likely benign (5). Last evaluated 2026-01-27.

Conditions:
Hereditary nonpolyposis colorectal neoplasms. Identifiers: MedGen C0009405, MeSH D003123.
Hereditary cancer-predisposing syndrome. Also called: Neoplastic Syndromes, Hereditary; Tumor predisposition; Hereditary Cancer Syndrome; Hereditary neoplastic syndrome. Identifiers: Orphanet 140162, MedGen C0027672, MeSH D009386, MONDO:0015356.
Lynch syndrome 5 (LYNCH5). Also called: Colorectal cancer, hereditary nonpolyposis, type 5; Hereditary non-polyposis colorectal cancer, type 5. Identifiers: Orphanet 144, MedGen C1833477, MONDO:0013710, OMIM 614350. Disease mechanism: loss of function.

Allele frequency attached by ClinVar (database versions not stated): gnomAD exomes below 0.00001.
gnomAD v4.1: 2 of 1,614,182 alleles (0.00012%); highest among the groups gnomAD compares: East Asian, 0.0045%; no homozygotes.

Submissions (6):

Labcorp Genetics (formerly Invitae), Labcorp
Classification: Likely benign for Hereditary nonpolyposis colorectal neoplasms. Last evaluated: 2026-01-27. Review status: criteria provided, single submitter. Criteria: Invitae Variant Classification Sherloc (09022015). Collection method: clinical testing. Allele origin: germline.

Myriad Genetics, Inc.
Classification: Benign for Lynch syndrome 5. Last evaluated: 2024-12-30. Review status: criteria provided, single submitter. Criteria: Myriad Autosomal Dominant, Autosomal Recessive and X-Linked Classification Criteria (2023). Collection method: clinical testing. Allele origin: unknown.
Comment: This variant is considered benign. This variant is a silent/synonymous amino acid change and it is not expected to impact splicing.

Sema4
Classification: Likely benign for Hereditary cancer-predisposing syndrome. Last evaluated: 2021-06-19. Review status: criteria provided, single submitter. Criteria: Sema4 Curation Guidelines. Collection method: curation. Allele origin: germline.

Women's Health and Genetics/Laboratory Corporation of America, LabCorp
Classification: Likely benign. Last evaluated: 2020-12-17. Review status: criteria provided, single submitter. Criteria: LabCorp Variant Classification Summary - May 2015. Collection method: clinical testing. Allele origin: germline.

Color Diagnostics, LLC DBA Color Health
Classification: Likely benign for Hereditary cancer-predisposing syndrome. Last evaluated: 2020-10-13. Review status: criteria provided, single submitter. Criteria: ACMG Guidelines, 2015. Collection method: clinical testing. Allele origin: germline.

Ambry Genetics
Classification: Likely benign for Hereditary cancer-predisposing syndrome. Last evaluated: 2018-09-10. Review status: criteria provided, single submitter. Criteria: Ambry Variant Classification Scheme 2023. Collection method: clinical testing. Allele origin: germline.

NM_000179.3(MSH6):c.2112T>C (p.Ala704=)

Gene: MSH6 (mutS homolog 6; plus strand). Cytogenetic location: 2p16.3.
Variant type: single nucleotide variant.
Coding change: c.2112T>C on transcript NM_000179.3 (MANE Select); coding-DNA position 2112, T replaced by C.
Protein change: p.Ala704=; no amino-acid change (alanine 704 retained).
Molecular consequence: synonymous variant.
Genome position (GRCh38, 1-based): chr2:47,800,095, T>C. VCF-style: chr2-47800095-T-C. GRCh37 (hg19) VCF-style: chr2-48027234-T-C.
Other names: c.1722T>C, p.Ala574= (NM_001281492.2); c.1206T>C, p.Ala402= (NM_001281493.2, NM_001281494.2).
Identifiers: ClinVar variation 525942 (VCV000525942.21), dbSNP rs1553413481, ClinGen allele CA426121551.